The following is an entry in ClinVar:

ClinVar aggregate classification (germline): Pathogenic (1 of 4 stars; one submission).

Conditions:
Hereditary breast ovarian cancer syndrome. Also called: Hereditary breast and/or ovarian cancer syndrome; BRCA1- and BRCA2-Associated Hereditary Breast and Ovarian Cancer; Hereditary breast and ovarian cancer syndrome; Hereditary breast and ovarian cancer; Hereditary breast and ovarian cancer syndrome (HBOC); Breast and ovarian cancer. Identifiers: Orphanet 145, MedGen C0677776, MeSH D061325, MONDO:0003582. Disease mechanism: loss of function.

Submission:

Labcorp Genetics (formerly Invitae), Labcorp
Classification: Pathogenic for Hereditary breast ovarian cancer syndrome. Last evaluated: 2022-10-23. Review status: criteria provided, single submitter. Criteria: Invitae Variant Classification Sherloc (09022015). Collection method: clinical testing. Allele origin: germline.
Comment: For these reasons, this variant has been classified as Pathogenic. ClinVar contains an entry for this variant (Variation ID: 1420054). This premature translational stop signal has been observed in individual(s) with a personal and/or family history of breast or ovarian caner (PMID: 29161300, 29907814). This variant is not present in population databases (gnomAD no frequency). This sequence change creates a premature translational stop signal (p.His971Thrfs*21) in the BRCA1 gene. It is expected to result in an absent or disrupted protein product. Loss-of-function variants in BRCA1 are known to be pathogenic (PMID: 20104584).

Literature cited by the submitters: PubMed 29161300; PubMed 29907814; PubMed 20104584.

NM_007294.4(BRCA1):c.2910dup (p.His971fs)

Gene: BRCA1 (BRCA1 DNA repair associated; minus strand). Cytogenetic location: 17q21.31.
Variant type: Duplication.
Coding change: c.2910dup on transcript NM_007294.4 (MANE Select); coding-DNA position 2910, one base duplicated (A; older notation c.2910dupA).
Protein change: p.His971fs; shifts the reading frame from histidine 971.
Molecular consequence: frameshift variant. On other transcripts: intron variant (137).
Genome position (GRCh38, 1-based): chr17:43,092,621, T duplicated on the plus strand (A on the coding strand, the reverse complement: BRCA1 is on the minus strand); the first of 3 consecutive T bases (chr17:43,092,621-43,092,623); duplicating any one gives the same sequence. VCF-style (leftmost placement, unchanged base first): chr17-43092620-G-GT. GRCh37 (hg19) VCF-style: chr17-41244637-G-GT.
Other names: c.2769dup, p.His924fs (NM_007297.4, NM_001407692.1, NM_001407694.1 and 29 more transcripts); c.2910dup, p.His971fs (NM_007300.4, NM_001407581.1, NM_001407582.1 and 30 more transcripts); c.647-1589dup (NM_001408458.1, NM_001408469.1, NM_001408453.1 and 11 more transcripts); c.284-1589dup (NM_001408512.1); c.407-1589dup (NM_001408510.1); c.644-1589dup (NM_001408470.1, NM_001408464.1, NM_001408468.1 and 3 more transcripts); c.785-1589dup (NM_001408397.1, NM_001408401.1, NM_001408396.1 and 13 more transcripts); c.665-1589dup (NM_001408436.1, NM_001408444.1, NM_001408438.1 and 12 more transcripts); and 41 more; short protein forms H924fs, H971fs, H675fs, H882fs, H900fs, H901fs, H904fs, H860fs.
Identifiers: ClinVar variation 1420054 (VCV001420054.7), dbSNP rs80357893, ClinGen allele CA2499224489.